The following is an entry in ClinVar:

ClinVar aggregate classification (germline): Uncertain significance. Review status: criteria provided, multiple submitters, no conflicts (2 of 4 stars). 8 submissions from 8 submitters: Uncertain significance (6). 2 of the submissions do not count toward it. Last evaluated 2025-12-31.

Conditions:
RDH12-related disorder. Also called: RDH12-related condition; RDH12-related disorders.
Retinitis Pigmentosa, Recessive.
Retinal dystrophy. Also called: Inherited retinal dystrophy. Identifiers: Orphanet 71862, MedGen C0854723, MeSH D058499, MONDO:0019118, HP:0000556.
Leber congenital amaurosis (LCA). Also called: Leber's amaurosis. Identifiers: Orphanet 65, MedGen C0339527, MeSH D057130, MONDO:0018998.
Leber congenital amaurosis 13 (LCA13). Identifiers: MedGen C2675186, MONDO:0012990, OMIM 612712.

Allele frequency attached by ClinVar (database versions not stated): ESP Exome Variant Server 0.00008; TOPMed 0.00013; gnomAD exomes 0.00015 and 0.00017; ExAC 0.00019.
gnomAD v4.1: 246 of 1,613,656 alleles (0.015%); highest among the groups gnomAD compares: Admixed American, 0.02%; no homozygotes.

Submissions (8):

PreventionGenetics, part of Exact Sciences
Classification: Uncertain significance for RDH12-related condition. Last evaluated: 2025-12-31. Review status: criteria provided, single submitter. Criteria: ACMG Guidelines, 2015. Collection method: clinical testing. Allele origin: germline.
Comment: The RDH12 c.317G>A variant is predicted to result in the amino acid substitution p.Arg106Gln. To our knowledge, this variant has not been reported in the literature. This variant is reported in 0.033% of alleles in individuals of European (Non-Finnish) descent in gnomAD. At this time, the clinical significance of this variant is uncertain due to the absence of conclusive functional and genetic evidence.

Labcorp Genetics (formerly Invitae), Labcorp
Classification: Uncertain significance for Leber congenital amaurosis 13. Last evaluated: 2025-01-15. Review status: criteria provided, single submitter. Criteria: Invitae Variant Classification Sherloc (09022015). Collection method: clinical testing. Allele origin: germline.
Comment: This sequence change replaces arginine, which is basic and polar, with glutamine, which is neutral and polar, at codon 106 of the RDH12 protein (p.Arg106Gln). This variant is present in population databases (rs150812168, gnomAD 0.03%). This variant has not been reported in the literature in individuals affected with RDH12-related conditions. ClinVar contains an entry for this variant (Variation ID: 197875). Invitae Evidence Modeling of protein sequence and biophysical properties (such as structural, functional, and spatial information, amino acid conservation, physicochemical variation, residue mobility, and thermodynamic stability) indicates that this missense variant is not expected to disrupt RDH12 protein function with a negative predictive value of 80%. In summary, the available evidence is currently insufficient to determine the role of this variant in disease. Therefore, it has been classified as a Variant of Uncertain Significance.

Blueprint Genetics
Classification: Uncertain significance. Last evaluated: 2023-09-01. Review status: criteria provided, single submitter. Criteria: ACMG Guidelines, 2015. Collection method: clinical testing. Allele origin: germline.

CeGaT Center for Human Genetics Tuebingen
Classification: Uncertain significance. Last evaluated: 2018-04-01. Review status: criteria provided, single submitter. Criteria: CeGaT Center For Human Genetics Tuebingen Variant Classification Criteria Version 2. Collection method: clinical testing. Allele origin: germline. Affected: yes. Observed: 1 variant allele.

Illumina Laboratory Services, Illumina
Classification: Uncertain significance for Retinitis Pigmentosa, Recessive. Last evaluated: 2017-04-28. Review status: criteria provided, single submitter. Criteria: ICSL Variant Classification Criteria 13 December 2019. Collection method: clinical testing. Allele origin: germline.

Eurofins Ntd Llc (ga)
Classification: Uncertain significance. Last evaluated: 2015-03-10. Review status: criteria provided, single submitter. Criteria: EGL Classification Definitions 2015. Collection method: clinical testing. Allele origin: germline. Observed: 1 variant allele, 1 heterozygote.

Institute of Human Genetics, Univ. Regensburg, Univ. Regensburg
Classification: Uncertain significance for Retinal dystrophy. Last evaluated: 2023-01-01. Review status: no assertion criteria provided. Criteria: ACMG Guidelines, 2015. Collection method: clinical testing. Allele origin: germline. Affected: yes. Not counted in ClinVar's aggregate classification.

Natera, Inc.
Classification: Uncertain significance for Leber congenital amaurosis. Last evaluated: 2020-03-10. Review status: no assertion criteria provided. Collection method: clinical testing. Allele origin: germline. Not counted in ClinVar's aggregate classification.

NM_152443.3(RDH12):c.317G>A (p.Arg106Gln)

Genes: GPHN (gephyrin; plus strand), RDH12 (retinol dehydrogenase 12; plus strand). Cytogenetic location: 14q24.1.
Variant type: single nucleotide variant.
Coding change: c.317G>A on transcript NM_152443.3 (MANE Select); coding-DNA position 317, G replaced by A.
Protein change: p.Arg106Gln; replaces arginine 106 with glutamine.
Molecular consequence: missense variant.
Genome position (GRCh38, 1-based): chr14:67,725,228, G>A. VCF-style: chr14-67725228-G-A. GRCh37 (hg19) VCF-style: chr14-68191945-G-A.
Other names: short protein forms R106Q.
Identifiers: ClinVar variation 197875 (VCV000197875.58), dbSNP rs150812168, ClinGen allele CA246258.